The following is an entry in ClinVar:

NM_015705.6(SGSM3):c.1560G>A (p.Gly520=)

Gene: SGSM3 (small G protein signaling modulator 3; plus strand). Cytogenetic location: 22q13.1.
Variant type: single nucleotide variant.
Coding change: c.1560G>A on transcript NM_015705.6 (MANE Select); coding-DNA position 1560, G replaced by A.
Protein change: p.Gly520=; no amino-acid change (glycine 520 retained).
Molecular consequence: synonymous variant. On other transcripts: non-coding transcript variant (4).
Genome position (GRCh38, 1-based): chr22:40,407,824, G>A. VCF-style: chr22-40407824-G-A. GRCh37 (hg19) VCF-style: chr22-40803828-G-A.
Other names: c.1371G>A, p.Gly457= (NM_001301849.2, NM_001350042.2, NM_001350044.2 and 1 more transcripts); c.1560G>A, p.Gly520= (NM_001350039.2, NM_001350040.2, NM_001350041.2); c.1359G>A, p.Gly453= (NM_001350043.2, NM_001350046.2, NM_001350047.2); c.1062G>A, p.Gly354= (NM_001350048.2).
Identifiers: ClinVar variation 3905196 (VCV003905196.10).

ClinVar aggregate classification (germline): Likely benign (1 of 4 stars; one submission).

gnomAD v4.1: 142 of 1,613,302 alleles (0.0088%); highest among the groups gnomAD compares: Admixed American, 0.047%; no homozygotes.

Submission:

CeGaT Center for Human Genetics Tuebingen
Classification: Likely benign. Last evaluated: 2025-05-01. Review status: criteria provided, single submitter. Criteria: CeGaT Center For Human Genetics Tuebingen Variant Classification Criteria Version 2. Collection method: clinical testing. Allele origin: germline. Affected: yes. Observed: 1 variant allele.
Comment: SGSM3: BP4, BP7